The following is an entry in ClinVar:

ClinVar aggregate classification (germline): Uncertain significance. Review status: criteria provided, multiple submitters, no conflicts (2 of 4 stars). 2 submissions from 2 submitters: Uncertain significance (2). Last evaluated 2025-09-24.

Conditions:
Hereditary cancer-predisposing syndrome. Also called: Neoplastic Syndromes, Hereditary; Tumor predisposition; Hereditary Cancer Syndrome; Hereditary neoplastic syndrome. Identifiers: Orphanet 140162, MedGen C0027672, MeSH D009386, MONDO:0015356.
Gastrointestinal stromal tumor. Also called: Gastrointestinal stromal tumor, somatic; Gastrointestinal stroma tumor. Identifiers: Orphanet 44890, MedGen C0238198, MeSH D046152, MONDO:0011719, OMIM 606764, HP:0100723.

Submissions (2):

Labcorp Genetics (formerly Invitae), Labcorp
Classification: Uncertain significance for Gastrointestinal stromal tumor. Last evaluated: 2025-09-24. Review status: criteria provided, single submitter. Criteria: Invitae Variant Classification Sherloc (09022015). Collection method: clinical testing. Allele origin: germline.
Comment: This sequence change replaces aspartic acid, which is acidic and polar, with histidine, which is basic and polar, at codon 794 of the PDGFRA protein (p.Asp794His). This variant is not present in population databases (gnomAD no frequency). This variant has not been reported in the literature in individuals affected with PDGFRA-related conditions. ClinVar contains an entry for this variant (Variation ID: 2834507). Invitae Evidence Modeling of protein sequence and biophysical properties (such as structural, functional, and spatial information, amino acid conservation, physicochemical variation, residue mobility, and thermodynamic stability) has been performed for this missense variant. However, the output from this modeling did not meet the statistical confidence thresholds required to predict the impact of this variant on PDGFRA protein function. In summary, the available evidence is currently insufficient to determine the role of this variant in disease. Therefore, it has been classified as a Variant of Uncertain Significance.

Ambry Genetics
Classification: Uncertain significance for Hereditary cancer-predisposing syndrome. Last evaluated: 2025-09-01. Review status: criteria provided, single submitter. Criteria: Ambry Variant Classification Scheme 2023. Collection method: clinical testing. Allele origin: germline.
Comment: The p.D794H variant (also known as c.2380G>C), located in coding exon 16 of the PDGFRA gene, results from a G to C substitution at nucleotide position 2380. The aspartic acid at codon 794 is replaced by histidine, an amino acid with similar properties. This amino acid position is conserved. In addition, this alteration is predicted to be deleterious by in silico analysis. Based on the available evidence, the clinical significance of this variant remains unclear.

NM_006206.6(PDGFRA):c.2380G>C (p.Asp794His)

Gene: PDGFRA (platelet derived growth factor receptor alpha; plus strand). Cytogenetic location: 4q12.
Variant type: single nucleotide variant.
Coding change: c.2380G>C on transcript NM_006206.6 (MANE Select); coding-DNA position 2380, G replaced by C.
Protein change: p.Asp794His; replaces aspartic acid 794 with histidine.
Molecular consequence: missense variant.
Genome position (GRCh38, 1-based): chr4:54,285,427, G>C. VCF-style: chr4-54285427-G-C. GRCh37 (hg19) VCF-style: chr4-55151594-G-C.
Other names: c.2455G>C, p.Asp819His (NM_001347828.2); c.2380G>C, p.Asp794His (NM_001347829.2); c.2419G>C, p.Asp807His (NM_001347830.2); short protein forms D794H, D819H, D807H.
Identifiers: ClinVar variation 2834507 (VCV002834507.4), dbSNP rs1560488952, ClinGen allele CA356894698.